The following is an entry in ClinVar:

ClinVar aggregate classification (germline): Uncertain significance (1 of 4 stars; one submission).

Conditions:
Short-rib thoracic dysplasia 6 with or without polydactyly (SRTD6). Also called: SHORT-RIB THORACIC DYSPLASIA 6 WITH POLYDACTYLY; SHORT-RIB THORACIC DYSPLASIA 6 WITHOUT POLYDACTYLY; POLYDACTYLY WITH NEONATAL CHONDRODYSTROPHY, TYPE II; SHORT RIB-POLYDACTYLY SYNDROME, TYPE IIA; Majewski Syndrome. Identifiers: MedGen C0024507, MONDO:0009894, OMIM 263520.

Allele frequency attached by ClinVar (database versions not stated): gnomAD exomes below 0.00001; ExAC 0.00001; gnomAD 0.00002; TOPMed 0.00002.
gnomAD v4.1: 5 of 1,613,728 alleles (0.00031%); highest among the groups gnomAD compares: African/African-American, 0.0067%; no homozygotes.

Submission:

Labcorp Genetics (formerly Invitae), Labcorp
Classification: Uncertain significance for Short-rib thoracic dysplasia 6 with or without polydactyly. Last evaluated: 2024-01-08. Review status: criteria provided, single submitter. Criteria: Invitae Variant Classification Sherloc (09022015). Collection method: clinical testing. Allele origin: germline.
Comment: This sequence change replaces proline, which is neutral and non-polar, with leucine, which is neutral and non-polar, at codon 488 of the NEK1 protein (p.Pro488Leu). This variant is present in population databases (rs759668045, gnomAD 0.008%). This variant has not been reported in the literature in individuals affected with NEK1-related conditions. Advanced modeling of protein sequence and biophysical properties (such as structural, functional, and spatial information, amino acid conservation, physicochemical variation, residue mobility, and thermodynamic stability) performed at Invitae indicates that this missense variant is not expected to disrupt NEK1 protein function with a negative predictive value of 95%. In summary, the available evidence is currently insufficient to determine the role of this variant in disease. Therefore, it has been classified as a Variant of Uncertain Significance.

NM_001199397.3(NEK1):c.1463C>T (p.Pro488Leu)

Gene: NEK1 (NIMA related kinase 1; minus strand). Cytogenetic location: 4q33.
Variant type: single nucleotide variant.
Coding change: c.1463C>T on transcript NM_001199397.3 (MANE Select); coding-DNA position 1463, C replaced by T.
Protein change: p.Pro488Leu; replaces proline 488 with leucine.
Molecular consequence: missense variant. On other transcripts: non-coding transcript variant (1), intron variant (3).
Genome position (GRCh38, 1-based): chr4:169,555,819, G>A on the plus strand (C>T on the coding strand, the complement: NEK1 is on the minus strand). VCF-style: chr4-169555819-G-A. GRCh37 (hg19) VCF-style: chr4-170476970-G-A.
Other names: c.1463C>T, p.Pro488Leu (NM_001374418.1, NM_001374419.1, NM_012224.4); c.1412C>T, p.Pro471Leu (NM_001374420.1); c.1337C>T, p.Pro446Leu (NM_001374421.1); c.1355+113C>T (NM_001199399.3); c.1430+113C>T (NM_001199398.3, NM_001199400.3); short protein forms P471L, P446L, P488L.
Identifiers: ClinVar variation 2756709 (VCV002756709.3), dbSNP rs759668045, ClinGen allele CA3137723.